The following is an entry in ClinVar:

ClinVar aggregate classification (germline): Uncertain significance. Review status: criteria provided, multiple submitters, no conflicts (2 of 4 stars). 2 submissions from 2 submitters: Uncertain significance (2). Last evaluated 2024-12-25.

Conditions:
Inborn genetic diseases. Identifiers: MedGen C0950123, MeSH D030342.

Allele frequency attached by ClinVar (database versions not stated): gnomAD exomes below 0.00001 and 0.00001; ExAC 0.00001; TOPMed 0.00002; ESP Exome Variant Server 0.00008.
gnomAD v4.1: 14 of 1,613,608 alleles (0.00087%); highest among the groups gnomAD compares: Non-Finnish European, 0.0011%; no homozygotes.

Submissions (2):

Ambry Genetics
Classification: Uncertain significance for Inborn genetic diseases. Last evaluated: 2024-12-25. Review status: criteria provided, single submitter. Criteria: Ambry Variant Classification Scheme 2023. Collection method: clinical testing. Allele origin: germline.

Labcorp Genetics (formerly Invitae), Labcorp
Classification: Uncertain significance. Last evaluated: 2022-06-27. Review status: criteria provided, single submitter. Criteria: Invitae Variant Classification Sherloc (09022015). Collection method: clinical testing. Allele origin: germline.
Comment: Algorithms developed to predict the effect of missense changes on protein structure and function output the following: SIFT: "Tolerated"; PolyPhen-2: "Benign"; Align-GVGD: "Class C0". The aspartic acid amino acid residue is found in multiple mammalian species, which suggests that this missense change does not adversely affect protein function. This variant has not been reported in the literature in individuals affected with LARP7-related conditions. This variant is present in population databases (rs376555622, gnomAD 0.0009%). This sequence change replaces glutamic acid, which is acidic and polar, with aspartic acid, which is acidic and polar, at codon 463 of the LARP7 protein (p.Glu463Asp). In summary, the available evidence is currently insufficient to determine the role of this variant in disease. Therefore, it has been classified as a Variant of Uncertain Significance.

NM_016648.4(LARP7):c.1389G>T (p.Glu463Asp)

Gene: LARP7 (La ribonucleoprotein 7, transcriptional regulator; plus strand). Cytogenetic location: 4q25.
Variant type: single nucleotide variant.
Coding change: c.1389G>T on transcript NM_016648.4 (MANE Select); coding-DNA position 1389, G replaced by T.
Protein change: p.Glu463Asp; replaces glutamic acid 463 with aspartic acid.
Molecular consequence: missense variant.
Genome position (GRCh38, 1-based): chr4:112,650,555, G>T. VCF-style: chr4-112650555-G-T. GRCh37 (hg19) VCF-style: chr4-113571711-G-T.
Other names: c.1389G>T, p.Glu463Asp (NM_001267039.4, NM_001370978.1, NM_015454.3); c.1428G>T, p.Glu476Asp (NM_001370974.1, NM_001370975.1); c.1425G>T, p.Glu475Asp (NM_001370976.1, NM_001370977.1); c.1386G>T, p.Glu462Asp (NM_001370979.1, NM_001370980.1); c.1152G>T, p.Glu384Asp (NM_001370981.1, NM_001370982.1); c.1389G>T (NM_016648.2); short protein forms E462D, E463D, E475D, E384D, E476D.
Identifiers: ClinVar variation 1471649 (VCV001471649.7), dbSNP rs376555622, ClinGen allele CA3049684.